The following is an entry in ClinVar:

ClinVar aggregate classification (germline): Conflicting classifications of pathogenicity. Review status: criteria provided, conflicting classifications (1 of 4 stars). 3 submissions from 3 submitters: Uncertain significance (1); Likely benign (2). Last evaluated 2024-08-27.

Conditions:
Catecholaminergic polymorphic ventricular tachycardia 1. Also called: VENTRICULAR TACHYCARDIA, CATECHOLAMINERGIC POLYMORPHIC, 1, WITH OR WITHOUT ATRIAL DYSFUNCTION AND/OR DILATED CARDIOMYOPATHY; VENTRICULAR TACHYCARDIA, STRESS-INDUCED POLYMORPHIC 1; RYR2-Related Catecholaminergic Polymorphic Ventricular Tachycardia. Identifiers: Orphanet 3286, MedGen C1631597, MONDO:0011484, OMIM 604772.
Catecholaminergic polymorphic ventricular tachycardia (CVPT). Also called: Catecholamine-induced polymorphic ventricular tachycardia. Identifiers: Orphanet 3286, MedGen C5574922, MONDO:0017990.
Cardiomyopathy (CMYO). Also called: Cardiomyopathies. Identifiers: Orphanet 167848, MedGen C0878544, MONDO:0004994, HP:0001638. Inheritance: Various modes of inheritance.

gnomAD v4.1: 6 of 1,609,310 alleles (0.00037%); highest among the groups gnomAD compares: South Asian, 0.0044%; no homozygotes.

Submissions (3):

Labcorp Genetics (formerly Invitae), Labcorp
Classification: Uncertain significance for Catecholaminergic polymorphic ventricular tachycardia 1. Last evaluated: 2024-08-27. Review status: criteria provided, single submitter. Criteria: Invitae Variant Classification Sherloc (09022015). Collection method: clinical testing. Allele origin: germline.
Comment: This sequence change affects codon 3404 of the RYR2 mRNA. It is a 'silent' change, meaning that it does not change the encoded amino acid sequence of the RYR2 protein. This variant is not present in population databases (gnomAD no frequency). This variant has not been reported in the literature in individuals affected with RYR2-related conditions. ClinVar contains an entry for this variant (Variation ID: 1332680). Algorithms developed to predict the effect of sequence changes on RNA splicing suggest that this variant may disrupt the consensus splice site. In summary, the available evidence is currently insufficient to determine the role of this variant in disease. Therefore, it has been classified as a Variant of Uncertain Significance.

All of Us Research Program, National Institutes of Health
Classification: Likely benign for Catecholaminergic polymorphic ventricular tachycardia. Last evaluated: 2023-03-28. Review status: criteria provided, single submitter. Criteria: ACMG Guidelines, 2015. Collection method: clinical testing. Allele origin: germline. Inheritance: Autosomal dominant inheritance. Observed: 1 variant allele, 1 heterozygote.
Comment: This study involves interpretation of variants in research participants for the purpose of population health screening. Participant phenotype was not available at the time of variant classification. Additional details can be found in publication PMID: 35346344, PMCID: PMC8962531

Color Diagnostics, LLC DBA Color Health
Classification: Likely benign for Cardiomyopathy. Last evaluated: 2021-03-23. Review status: criteria provided, single submitter. Criteria: ACMG Guidelines, 2015. Collection method: clinical testing. Allele origin: germline.

NM_001035.3(RYR2):c.10212C>T (p.Ile3404=)

Gene: RYR2 (ryanodine receptor 2; plus strand). Cytogenetic location: 1q43.
Variant type: single nucleotide variant.
Coding change: c.10212C>T on transcript NM_001035.3 (MANE Select); coding-DNA position 10212, C replaced by T.
Protein change: p.Ile3404=; no amino-acid change (isoleucine 3404 retained).
Molecular consequence: synonymous variant.
Genome position (GRCh38, 1-based): chr1:237,709,549, C>T. VCF-style: chr1-237709549-C-T. GRCh37 (hg19) VCF-style: chr1-237872849-C-T.
Identifiers: ClinVar variation 1332680 (VCV001332680.5), dbSNP rs2149069969, ClinGen allele CA423819503.